The following is an entry in ClinVar:

ClinVar aggregate classification (germline): Uncertain significance (1 of 4 stars; one submission).

gnomAD v4.1: 2 of 1,613,046 alleles (0.00012%); highest among the groups gnomAD compares: Admixed American, 0.0033%; no homozygotes.

Submission:

GeneDx
Classification: Uncertain significance. Last evaluated: 2024-11-11. Review status: criteria provided, single submitter. Criteria: GeneDx Variant Classification Process June 2021. Collection method: clinical testing. Allele origin: germline. Affected: yes.
Comment: Not observed at significant frequency in large population cohorts (gnomAD); In silico analysis supports that this missense variant has a deleterious effect on protein structure/function; This variant is associated with the following publications: (PMID: 24144731)

NM_006745.5(MSMO1):c.343G>A (p.Gly115Arg)

Gene: MSMO1 (methylsterol monooxygenase 1; plus strand). Cytogenetic location: 4q32.3.
Variant type: single nucleotide variant.
Coding change: c.343G>A on transcript NM_006745.5 (MANE Select); coding-DNA position 343, G replaced by A.
Protein change: p.Gly115Arg; replaces glycine 115 with arginine.
Molecular consequence: missense variant. On other transcripts: 5 prime UTR variant (1).
Genome position (GRCh38, 1-based): chr4:165,337,876, G>A. VCF-style: chr4-165337876-G-A. GRCh37 (hg19) VCF-style: chr4-166259028-G-A.
Other names: c.-51G>A (NM_001017369.3); short protein forms G115R.
Identifiers: ClinVar variation 3898890 (VCV003898890.1).
Genomic context (GRCh38, chr4:165,337,876, plus strand): 5'-TGGAAGTGTTTCAAAGTTCTTCTCTTTAATCACTTCTGTATCCAGCTGCCTTTGATTTGT[G>A]GAACCTATTATTTTACAGAGTATTTCAATATTCCTTATGATTGGGAAAGAATGCCAAGAT-3'
Protein context (NP_006736.1, residues 105-125): HFCIQLPLIC[Gly115Arg]TYYFTEYFNI